The following is an entry in ClinVar:

NM_000618.5(IGF1):c.*5505T>A

Genes: IGF1 (insulin like growth factor 1; minus strand), LINC02456 (long intergenic non-protein coding RNA 2456; plus strand). Cytogenetic location: 12q23.2.
Variant type: single nucleotide variant.
Coding change: c.*5505T>A on transcript NM_000618.5 (MANE Select); 5505 bases downstream of the stop codon, T replaced by A.
Molecular consequence: 3 prime UTR variant.
Genome position (GRCh38, 1-based): chr12:102,397,002, A>T on the plus strand (T>A on the coding strand, the complement: IGF1 is on the minus strand). VCF-style: chr12-102397002-A-T. GRCh37 (hg19) VCF-style: chr12-102790780-A-T.
Other names: c.*5539T>A (NM_001111283.3); c.*5505T>A (NM_001111284.2).
Identifiers: ClinVar variation 306840 (VCV000306840.6), dbSNP rs1140655, ClinGen allele CA10639933.
Genomic context (GRCh38, chr12:102,397,002, plus strand): 5'-CCTGTAATCCCAGCAATTTGGGAGGCTGAGGCGGGCAAATCACAAGGTCAGGAGTTTGAG[A>T]CCAACCTGGCCAACATGGTAAAACCCCGTCTCTATTAAAAATCCAAAAAATTAGCCGGGC-3'

ClinVar aggregate classification (germline): Benign. Review status: criteria provided, multiple submitters, no conflicts (2 of 4 stars). 2 submissions from 2 submitters: Benign (2). Last evaluated 2018-01-12.

Conditions:
Growth delay due to insulin-like growth factor type 1 deficiency (IGF1D). Also called: GROWTH RETARDATION WITH SENSORINEURAL DEAFNESS AND MENTAL RETARDATION; IGF1 DEFICIENCY. Identifiers: Orphanet 73272, MedGen C1837475, MONDO:0012110, OMIM 608747.

Allele frequency attached by ClinVar (database versions not stated): 1000 Genomes Project 0.61901; 1000 Genomes Project 30x 0.62242; TOPMed 0.63601; gnomAD 0.65414 and 0.65437; gnomAD exomes 0.67961.
gnomAD v4.1: 263,626 of 394,082 alleles (67%); highest among the groups gnomAD compares: Non-Finnish European, 70%; 89,252 homozygotes.

Submissions (2):

Illumina Laboratory Services, Illumina
Classification: Benign for Growth delay due to insulin-like growth factor type 1 deficiency. Last evaluated: 2018-01-12. Review status: criteria provided, single submitter. Criteria: ICSL Variant Classification Criteria 13 December 2019. Collection method: clinical testing. Allele origin: germline.
Comment: This variant was observed in the ICSL laboratory as part of a predisposition screen in an ostensibly healthy population. It had not been previously curated by ICSL or reported in the Human Gene Mutation Database (HGMD: prior to June 1st, 2018), and was therefore a candidate for classification through an automated scoring system. Utilizing variant allele frequency, disease prevalence and penetrance estimates, and inheritance mode, an automated score was calculated to assess if this variant is too frequent to cause the disease. Based on the score and internal cut-off values, a variant classified as benign is not then subjected to further curation. The score for this variant resulted in a classification of benign for this disease.

Breakthrough Genomics
Classification: Benign. Review status: criteria provided, single submitter. Criteria: ACMG Guidelines, 2015. Collection method: not provided. Allele origin: germline. Inheritance: Autosomal recessive inheritance. Affected: yes.